The following is an entry in ClinVar:

ClinVar aggregate classification (germline): Pathogenic/Likely pathogenic. Review status: criteria provided, multiple submitters, no conflicts (2 of 4 stars). 2 submissions from 2 submitters: Pathogenic (1); Likely pathogenic (1). Last evaluated 2023-07-13.

Conditions:
Hereditary cancer-predisposing syndrome. Also called: Hereditary neoplastic syndrome; Tumor predisposition; Hereditary Cancer Syndrome; Neoplastic Syndromes, Hereditary. Identifiers: Orphanet 140162, MedGen C0027672, MeSH D009386, MONDO:0015356.

Submissions (2):

Ambry Genetics
Classification: Pathogenic for Hereditary cancer-predisposing syndrome. Last evaluated: 2023-07-13. Review status: criteria provided, single submitter. Criteria: Ambry Variant Classification Scheme 2023. Collection method: clinical testing. Allele origin: germline.
Comment: The c.9270_9288del19 pathogenic mutation, located in coding exon 24 of the BRCA2 gene, results from a deletion of 19 nucleotides at nucleotide positions 9270 to 9288, causing a translational frameshift with a predicted alternate stop codon (p.Y3092Tfs*6). This variant is considered to be rare based on population cohorts in the Genome Aggregation Database (gnomAD). This alteration is expected to result in loss of function by premature protein truncation or nonsense-mediated mRNA decay. As such, this alteration is interpreted as a disease-causing mutation.

Quest Diagnostics Nichols Institute San Juan Capistrano
Classification: Likely pathogenic. Last evaluated: 2022-09-07. Review status: criteria provided, single submitter. Criteria: Quest Diagnostics criteria. Collection method: clinical testing. Allele origin: unknown.
Comment: This frameshift variant alters the translational reading frame of the BRCA2 mRNA and is predicted to cause the premature termination of BRCA2 protein synthesis. To the best of our knowledge, the variant has not been reported in online databases or the published literature. It also has not been reported in large, multi-ethnic general populations. Based on the available information, this variant is classified as likely pathogenic.

NM_000059.4(BRCA2):c.9270_9288del (p.Tyr3092fs)

Gene: BRCA2 (BRCA2 DNA repair associated; plus strand). Cytogenetic location: 13q13.1.
Variant type: Deletion.
Coding change: c.9270_9288del on transcript NM_000059.4 (MANE Select); coding-DNA positions 9270 to 9288, 19 bases deleted (CGTCTATTTGTCAGACGAA).
Protein change: p.Tyr3092fs; shifts the reading frame from tyrosine 3092.
Molecular consequence: frameshift variant. On other transcripts: non-coding transcript variant (1).
Genome position (GRCh38, 1-based): chr13:32,394,702-32,394,720, CGTCTATTTGTCAGACGAA deleted. VCF-style (leftmost placement, unchanged base first): chr13-32394701-TCGTCTATTTGTCAGACGAA-T. GRCh37 (hg19) VCF-style: chr13-32968838-TCGTCTATTTGTCAGACGAA-T.
Other names: c.9270_9288del19, p.Tyr3092Thrfs (NM_000059.3); c.9174_9192del, p.Tyr3060fs (NM_001406719.1); c.9219_9237del, p.Tyr3075fs (NM_001406720.1); c.4338_4356del, p.Tyr1448fs (NM_001406721.1); c.2853_2871del, p.Tyr953fs (NM_001406722.1); c.9270_9288del (NM_000059.3); short protein forms Y1448fs, Y3075fs, Y3060fs, Y3092fs, Y953fs.
Identifiers: ClinVar variation 2586286 (VCV002586286.3), dbSNP rs2548561967, ClinGen allele CA2582341822.